The following is an entry in ClinVar:

ClinVar aggregate classification (germline): Likely pathogenic (1 of 4 stars; one submission).

Allele frequency attached by ClinVar (database versions not stated): gnomAD exomes 0.00001.
gnomAD v4.1: 6 of 1,613,000 alleles (0.00037%); highest among the groups gnomAD compares: Non-Finnish European, 0.00051%; no homozygotes.

Submission:

Labcorp Genetics (formerly Invitae), Labcorp
Classification: Likely pathogenic. Last evaluated: 2022-05-27. Review status: criteria provided, single submitter. Criteria: Invitae Variant Classification Sherloc (09022015). Collection method: clinical testing. Allele origin: germline.
Comment: ClinVar contains an entry for this variant (Variation ID: 1021912). This variant has not been reported in the literature in individuals affected with POLE-related conditions. This variant is not present in population databases (gnomAD no frequency). This sequence change affects a donor splice site in intron 11 of the POLE gene. It is expected to disrupt RNA splicing. Variants that disrupt the donor or acceptor splice site typically lead to a loss of protein function (PMID: 16199547), and loss-of-function variants in POLE are known to be pathogenic (PMID: 23230001, 25948378, 30503519). Algorithms developed to predict the effect of sequence changes on RNA splicing suggest that this variant may disrupt the consensus splice site. In summary, the currently available evidence indicates that the variant is pathogenic, but additional data are needed to prove that conclusively. Therefore, this variant has been classified as Likely Pathogenic.

Literature cited by the submitters: PubMed 16199547; PubMed 23230001; PubMed 25948378; PubMed 30503519.

NM_006231.4(POLE):c.1106+2T>C

Gene: POLE (DNA polymerase epsilon, catalytic subunit; minus strand). Cytogenetic location: 12q24.33.
Variant type: single nucleotide variant.
Coding change: c.1106+2T>C on transcript NM_006231.4 (MANE Select); the canonical splice donor site of the intron after coding-DNA position 1106, T replaced by C.
Molecular consequence: splice donor variant.
Genome position (GRCh38, 1-based): chr12:132,675,733, A>G on the plus strand (T>C on the coding strand, the complement: POLE is on the minus strand). VCF-style: chr12-132675733-A-G. GRCh37 (hg19) VCF-style: chr12-133252319-A-G.
Identifiers: ClinVar variation 1021912 (VCV001021912.7), dbSNP rs1593077420, ClinGen allele CA387361302.